The following is an entry in ClinVar:

NM_001374736.1(DST):c.20878-8dup

Gene: DST (dystonin; minus strand). Cytogenetic location: 6p12.1.
Variant type: Duplication.
Coding change: c.20878-8dup on transcript NM_001374736.1 (MANE Select); 8 bases into the intron before coding-DNA position 20878, one base duplicated (A; older notation c.20878-8dupA).
Molecular consequence: intron variant.
Genome position (GRCh38, 1-based): chr6:56,487,281, T duplicated on the plus strand (A on the coding strand, the reverse complement: DST is on the minus strand); the first of 3 consecutive T bases (chr6:56,487,281-56,487,283); duplicating any one gives the same sequence. VCF-style (leftmost placement, unchanged base first): chr6-56487280-A-AT. GRCh37 (hg19) VCF-style: chr6-56352078-A-AT.
Other names: c.14521-8dup (NM_001144769.5); c.20878-8dup (NM_001374722.1); c.20905-8dup (NM_001374734.1); c.14107-8dup (NM_001144770.2); c.13660-8dup (NM_001374730.1); c.13987-8dup (NM_001386100.1, NM_183380.4); c.19918-8dup (NM_001374729.1); c.13009-8dup (NM_015548.5).
Identifiers: ClinVar variation 1423683 (VCV001423683.6), dbSNP rs764181267, ClinGen allele CA3866632.

ClinVar aggregate classification (germline): Uncertain significance (1 of 4 stars; one submission).

Conditions:
Epidermolysis bullosa simplex 3, localized or generalized intermediate, with BP230 deficiency (EBS3). Also called: Epidermolysis bullosa simplex due to BP230 deficiency; Epidermolysis bullosa simplex, autosomal recessive 2. Identifiers: Orphanet 412181, MedGen C3809470, MONDO:0014180, OMIM 615425.
Hereditary sensory and autonomic neuropathy type 6. Also called: Neuropathy, hereditary sensory and autonomic, type VI; HSAN VI. Identifiers: Orphanet 314381, MedGen C3539003, MONDO:0013839, OMIM 614653.

Submission:

Labcorp Genetics (formerly Invitae), Labcorp
Classification: Uncertain significance for Epidermolysis bullosa simplex 3, localized or generalized intermediate, with BP230 deficiency; Hereditary sensory and autonomic neuropathy type 6. Last evaluated: 2021-03-23. Review status: criteria provided, single submitter. Criteria: Invitae Variant Classification Sherloc (09022015). Collection method: clinical testing. Allele origin: germline.
Comment: In summary, the available evidence is currently insufficient to determine the role of this variant in disease. Therefore, it has been classified as a Variant of Uncertain Significance. Experimental studies and prediction algorithms are not available or were not evaluated, and the effect of this variant on mRNA splicing is currently unknown. This variant has not been reported in the literature in individuals with DST-related conditions. This variant is present in population databases (rs764181267, ExAC 0.002%). This sequence change falls in intron 67 of the DST gene. It does not directly change the encoded amino acid sequence of the DST protein. The DST gene has multiple clinically relevant transcripts. This variant occurs in alternate transcript NM_015548.4, and corresponds to NM_001723.5:c.*128236dup in the primary transcript.